The following is an entry in ClinVar:

ClinVar aggregate classification (germline): Uncertain significance (1 of 4 stars; one submission).

Conditions:
Nephronophthisis 15 (NPHP15). Identifiers: Orphanet 3156, MedGen C3541853, MONDO:0013917, OMIM 614845.

Allele frequency attached by ClinVar (database versions not stated): gnomAD exomes below 0.00001.
gnomAD v4.1: 1 of 1,614,162 alleles (0.000062%); highest among the groups gnomAD compares: Non-Finnish European, 0.000085%; no homozygotes.

Submission:

Labcorp Genetics (formerly Invitae), Labcorp
Classification: Uncertain significance for Nephronophthisis 15. Last evaluated: 2022-10-17. Review status: criteria provided, single submitter. Criteria: Invitae Variant Classification Sherloc (09022015). Collection method: clinical testing. Allele origin: germline.
Comment: In summary, the available evidence is currently insufficient to determine the role of this variant in disease. Therefore, it has been classified as a Variant of Uncertain Significance. Algorithms developed to predict the effect of missense changes on protein structure and function output the following: SIFT: "Tolerated"; PolyPhen-2: "Benign"; Align-GVGD: "Class C0". The alanine amino acid residue is found in multiple mammalian species, which suggests that this missense change does not adversely affect protein function. This variant has not been reported in the literature in individuals affected with CEP164-related conditions. This variant is present in population databases (no rsID available, gnomAD 0.0009%). This sequence change replaces proline, which is neutral and non-polar, with alanine, which is neutral and non-polar, at codon 311 of the CEP164 protein (p.Pro311Ala).

NM_014956.5(CEP164):c.931C>G (p.Pro311Ala)

Gene: CEP164 (centrosomal protein 164; plus strand). Cytogenetic location: 11q23.3.
Variant type: single nucleotide variant.
Coding change: c.931C>G on transcript NM_014956.5 (MANE Select); coding-DNA position 931, C replaced by G.
Protein change: p.Pro311Ala; replaces proline 311 with alanine.
Molecular consequence: missense variant.
Genome position (GRCh38, 1-based): chr11:117,371,245, C>G. VCF-style: chr11-117371245-C-G. GRCh37 (hg19) VCF-style: chr11-117241961-C-G.
Other names: c.931C>G, p.Pro311Ala (NM_001271933.2); short protein forms P311A.
Identifiers: ClinVar variation 1715794 (VCV001715794.5), dbSNP rs561098013, ClinGen allele CA382737299.